The following is an entry in ClinVar:

NM_006734.4(HIVEP2):c.1411T>C (p.Phe471Leu)

Gene: HIVEP2 (HIVEP zinc finger 2; minus strand). Cytogenetic location: 6q24.2.
Variant type: single nucleotide variant.
Coding change: c.1411T>C on transcript NM_006734.4 (MANE Select); coding-DNA position 1411, T replaced by C.
Protein change: p.Phe471Leu; replaces phenylalanine 471 with leucine.
Molecular consequence: missense variant.
Genome position (GRCh38, 1-based): chr6:142,773,328, A>G on the plus strand (T>C on the coding strand, the complement: HIVEP2 is on the minus strand). VCF-style: chr6-142773328-A-G. GRCh37 (hg19) VCF-style: chr6-143094465-A-G.
Other names: short protein forms F471L.
Identifiers: ClinVar variation 3766040 (VCV003766040.1).

ClinVar aggregate classification (germline): Uncertain significance (1 of 4 stars; one submission).

Submission:

GeneDx
Classification: Uncertain significance. Last evaluated: 2024-09-03. Review status: criteria provided, single submitter. Criteria: GeneDx Variant Classification Process June 2021. Collection method: clinical testing. Allele origin: germline. Affected: yes.
Comment: Not observed at significant frequency in large population cohorts (gnomAD); In silico analysis indicates that this missense variant does not alter protein structure/function; Has not been previously published as pathogenic or benign to our knowledge